The following is an entry in ClinVar:

ClinVar aggregate classification (germline): Uncertain significance. Review status: criteria provided, multiple submitters, no conflicts (2 of 4 stars). 2 submissions from 2 submitters: Uncertain significance (2). Last evaluated 2025-01-01.

Conditions:
Congenital contractural arachnodactyly (CCA). Also called: Arthrogryposis, distal, type 9; BEALS SYNDROME; Beals-Hecht syndrome. Identifiers: Orphanet 115, MedGen C0220668, MONDO:0007363, OMIM 121050.

gnomAD v4.1: 1 of 1,614,124 alleles (0.000062%); highest among the groups gnomAD compares: Non-Finnish European, 0.000085%; no homozygotes.

Submissions (2):

Labcorp Genetics (formerly Invitae), Labcorp
Classification: Uncertain significance for Congenital contractural arachnodactyly. Last evaluated: 2025-01-01. Review status: criteria provided, single submitter. Criteria: Invitae Variant Classification Sherloc (09022015). Collection method: clinical testing. Allele origin: germline.
Comment: This sequence change replaces proline, which is neutral and non-polar, with histidine, which is basic and polar, at codon 740 of the FBN2 protein (p.Pro740His). This variant is present in population databases (no rsID available, gnomAD 0.0009%). This missense change has been observed in individual(s) with scoliosis (PMID: 24833718). Invitae Evidence Modeling of protein sequence and biophysical properties (such as structural, functional, and spatial information, amino acid conservation, physicochemical variation, residue mobility, and thermodynamic stability) has been performed for this missense variant. However, the output from this modeling did not meet the statistical confidence thresholds required to predict the impact of this variant on FBN2 protein function. Experimental studies have shown that this missense change does not substantially affect FBN2 function (PMID: 24833718). In summary, the available evidence is currently insufficient to determine the role of this variant in disease. Therefore, it has been classified as a Variant of Uncertain Significance.

Neuberg Centre For Genomic Medicine, NCGM
Classification: Uncertain significance for Congenital contractural arachnodactyly. Last evaluated: 2024-02-01. Review status: criteria provided, single submitter. Criteria: ACMG Guidelines, 2015. Collection method: clinical testing. Allele origin: germline. Inheritance: Autosomal dominant inheritance.
Comment: The missense has not been reported previously as a pathogenic variant nor as a benign variant, to our knowledge.

Literature cited by the submitters: PubMed 24833718 (cited by Labcorp Genetics (formerly Invitae), Labcorp).

NM_001999.4(FBN2):c.2219C>A (p.Pro740His)

Gene: FBN2 (fibrillin 2; minus strand). Cytogenetic location: 5q23.3.
Variant type: single nucleotide variant.
Coding change: c.2219C>A on transcript NM_001999.4 (MANE Select); coding-DNA position 2219, C replaced by A.
Protein change: p.Pro740His; replaces proline 740 with histidine.
Molecular consequence: missense variant.
Genome position (GRCh38, 1-based): chr5:128,369,211, G>T on the plus strand (C>A on the coding strand, the complement: FBN2 is on the minus strand). VCF-style: chr5-128369211-G-T. GRCh37 (hg19) VCF-style: chr5-127704904-G-T.
Other names: short protein forms P740H.
Identifiers: ClinVar variation 3720652 (VCV003720652.3).